The following is an entry in ClinVar:

ClinVar aggregate classification (germline): Uncertain significance. Review status: criteria provided, multiple submitters, no conflicts (2 of 4 stars). 2 submissions from 2 submitters: Uncertain significance (2). Last evaluated 2025-07-23.

Conditions:
Hereditary cancer-predisposing syndrome. Also called: Tumor predisposition; Hereditary neoplastic syndrome; Hereditary Cancer Syndrome; Neoplastic Syndromes, Hereditary. Identifiers: Orphanet 140162, MedGen C0027672, MeSH D009386, MONDO:0015356.

Submissions (2):

Labcorp Genetics (formerly Invitae), Labcorp
Classification: Uncertain significance. Last evaluated: 2025-07-23. Review status: criteria provided, single submitter. Criteria: Invitae Variant Classification Sherloc (09022015). Collection method: clinical testing. Allele origin: germline.
Comment: This sequence change replaces alanine, which is neutral and non-polar, with threonine, which is neutral and polar, at codon 130 of the CTNNA1 protein (p.Ala130Thr). This variant is not present in population databases (gnomAD no frequency). This variant has not been reported in the literature in individuals affected with CTNNA1-related conditions. ClinVar contains an entry for this variant (Variation ID: 962071). Invitae Evidence Modeling of protein sequence and biophysical properties (such as structural, functional, and spatial information, amino acid conservation, physicochemical variation, residue mobility, and thermodynamic stability) indicates that this missense variant is not expected to disrupt CTNNA1 protein function with a negative predictive value of 80%. In summary, the available evidence is currently insufficient to determine the role of this variant in disease. Therefore, it has been classified as a Variant of Uncertain Significance.

Ambry Genetics
Classification: Uncertain significance for Hereditary cancer-predisposing syndrome. Last evaluated: 2023-07-09. Review status: criteria provided, single submitter. Criteria: Ambry Variant Classification Scheme 2023. Collection method: clinical testing. Allele origin: germline.
Comment: The p.A130T variant (also known as c.388G>A), located in coding exon 3 of the CTNNA1 gene, results from a G to A substitution at nucleotide position 388. The alanine at codon 130 is replaced by threonine, an amino acid with similar properties. This amino acid position is conserved. In addition, this alteration is predicted to be tolerated by in silico analysis. Since supporting evidence is limited at this time, the clinical significance of this alteration remains unclear.

NM_001903.5(CTNNA1):c.388G>A (p.Ala130Thr)

Gene: CTNNA1 (catenin alpha 1; plus strand). Cytogenetic location: 5q31.2.
Variant type: single nucleotide variant.
Coding change: c.388G>A on transcript NM_001903.5 (MANE Select); coding-DNA position 388, G replaced by A.
Protein change: p.Ala130Thr; replaces alanine 130 with threonine.
Molecular consequence: missense variant.
Genome position (GRCh38, 1-based): chr5:138,810,124, G>A. VCF-style: chr5-138810124-G-A. GRCh37 (hg19) VCF-style: chr5-138145813-G-A.
Other names: c.388G>A, p.Ala130Thr (NM_001290307.3, NM_001323982.2, NM_001323983.1 and 3 more transcripts); c.79G>A, p.Ala27Thr (NM_001290309.3); c.19G>A, p.Ala7Thr (NM_001290310.3); c.388G>A (NM_001903.2); short protein forms A130T, A27T, A7T.
Identifiers: ClinVar variation 962071 (VCV000962071.11), dbSNP rs1758522927, ClinGen allele CA361123172.